The following is an entry in ClinVar:

ClinVar aggregate classification (germline): Uncertain significance (1 of 4 stars; one submission).

Submission:

Labcorp Genetics (formerly Invitae), Labcorp
Classification: Uncertain significance. Last evaluated: 2021-07-17. Review status: criteria provided, single submitter. Criteria: Invitae Variant Classification Sherloc (09022015). Collection method: clinical testing. Allele origin: germline.
Comment: In summary, the available evidence is currently insufficient to determine the role of this variant in disease. Therefore, it has been classified as a Variant of Uncertain Significance. Nucleotide substitutions within the consensus splice site are a relatively common cause of aberrant splicing (PMID: 17576681, 9536098). Algorithms developed to predict the effect of sequence changes on RNA splicing suggest that this variant is not likely to affect RNA splicing. This variant has not been reported in the literature in individuals affected with ZNF341-related conditions. This variant is not present in population databases (ExAC no frequency). This sequence change falls in intron 7 of the ZNF341 gene. It does not directly change the encoded amino acid sequence of the ZNF341 protein. It affects a nucleotide within the consensus splice site of the intron.

Literature cited by the submitters: PubMed 17576681; PubMed 9536098.

NM_001282933.2(ZNF341):c.1029-3C>T

Gene: ZNF341 (zinc finger protein 341; plus strand). Cytogenetic location: 20q11.22.
Variant type: single nucleotide variant.
Coding change: c.1029-3C>T on transcript NM_001282933.2 (MANE Select); 3 bases into the intron before coding-DNA position 1029, C replaced by T.
Molecular consequence: intron variant.
Genome position (GRCh38, 1-based): chr20:33,761,859, C>T. VCF-style: chr20-33761859-C-T. GRCh37 (hg19) VCF-style: chr20-32349665-C-T.
Other names: c.1008-3C>T (NM_032819.5); c.759-3C>T (NM_001282935.2).
Identifiers: ClinVar variation 1368195 (VCV001368195.6), dbSNP rs2122686262, ClinGen allele CA2573156992.